The following is an entry in ClinVar:

ClinVar aggregate classification (germline): Uncertain significance. Review status: criteria provided, multiple submitters, no conflicts (2 of 4 stars). 2 submissions from 2 submitters: Uncertain significance (2). Last evaluated 2025-09-22.

Allele frequency attached by ClinVar (database versions not stated): gnomAD exomes below 0.00001.
gnomAD v4.1: 1 of 1,614,070 alleles (0.000062%); highest among the groups gnomAD compares: Non-Finnish European, 0.000085%; no homozygotes.

Submissions (2):

Labcorp Genetics (formerly Invitae), Labcorp
Classification: Uncertain significance. Last evaluated: 2025-09-22. Review status: criteria provided, single submitter. Criteria: Invitae Variant Classification Sherloc (09022015). Collection method: clinical testing. Allele origin: germline.
Comment: This sequence change replaces aspartic acid, which is acidic and polar, with asparagine, which is neutral and polar, at codon 170 of the SLC1A2 protein (p.Asp170Asn). This variant is not present in population databases (gnomAD no frequency). This variant has not been reported in the literature in individuals affected with SLC1A2-related conditions. ClinVar contains an entry for this variant (Variation ID: 2637438). Invitae Evidence Modeling of protein sequence and biophysical properties (such as structural, functional, and spatial information, amino acid conservation, physicochemical variation, residue mobility, and thermodynamic stability) indicates that this missense variant is expected to disrupt SLC1A2 protein function with a positive predictive value of 80%. In summary, the available evidence is currently insufficient to determine the role of this variant in disease. Therefore, it has been classified as a Variant of Uncertain Significance.

Women's Health and Genetics/Laboratory Corporation of America, LabCorp
Classification: Uncertain significance. Last evaluated: 2025-02-25. Review status: criteria provided, single submitter. Criteria: LabCorp Variant Classification Summary - May 2015. Collection method: clinical testing. Allele origin: germline.
Comment: Variant summary: SLC1A2 c.508G>A (p.Asp170Asn) results in a conservative amino acid change in the encoded protein sequence. Three of five in-silico tools predict a damaging effect of the variant on protein function. The variant was absent in 251094 control chromosomes. The available data on variant occurrences in the general population are insufficient to allow any conclusion about variant significance. To our knowledge, no occurrence of c.508G>A in individuals affected with Early Infantile Epileptic Encephalopathy, 41 and no experimental evidence demonstrating its impact on protein function have been reported. ClinVar contains an entry for this variant (Variation ID: 2637438). Based on the evidence outlined above, the variant was classified as uncertain significance.

NM_004171.4(SLC1A2):c.508G>A (p.Asp170Asn)

Gene: SLC1A2 (solute carrier family 1 member 2; minus strand). Cytogenetic location: 11p13.
Variant type: single nucleotide variant.
Coding change: c.508G>A on transcript NM_004171.4 (MANE Select); coding-DNA position 508, G replaced by A.
Protein change: p.Asp170Asn; replaces aspartic acid 170 with asparagine.
Molecular consequence: missense variant.
Genome position (GRCh38, 1-based): chr11:35,312,251, C>T on the plus strand (G>A on the coding strand, the complement: SLC1A2 is on the minus strand). VCF-style: chr11-35312251-C-T. GRCh37 (hg19) VCF-style: chr11-35333798-C-T.
Other names: c.481G>A, p.Asp161Asn (NM_001195728.3, NM_001252652.2); short protein forms D161N, D170N.
Identifiers: ClinVar variation 2637438 (VCV002637438.3), dbSNP rs2497902567, ClinGen allele CA380129027.